The following is an entry in ClinVar:

NM_000154.2(GALK1):c.382G>A (p.Val128Met)

Gene: GALK1 (galactokinase 1; minus strand). Cytogenetic location: 17q25.1.
Variant type: single nucleotide variant.
Coding change: c.382G>A on transcript NM_000154.2 (MANE Select); coding-DNA position 382, G replaced by A.
Protein change: p.Val128Met; replaces valine 128 with methionine.
Molecular consequence: missense variant.
Genome position (GRCh38, 1-based): chr17:75,763,413, C>T on the plus strand (G>A on the coding strand, the complement: GALK1 is on the minus strand). VCF-style: chr17-75763413-C-T. GRCh37 (hg19) VCF-style: chr17-73759494-C-T.
Other names: c.382G>A (NM_000154.1); short protein forms V128M.
Identifiers: ClinVar variation 196224 (VCV000196224.7), dbSNP rs767156604, ClinGen allele CA243114.

ClinVar aggregate classification (germline): Uncertain significance. Review status: criteria provided, multiple submitters, no conflicts (2 of 4 stars). 3 submissions from 3 submitters: Uncertain significance (3). Last evaluated 2025-12-08.

Conditions:
Inborn genetic diseases. Identifiers: MedGen C0950123, MeSH D030342.
Deficiency of galactokinase. Also called: Galactokinase deficiency with cataracts; GALACTOSEMIA II. Identifiers: Orphanet 352, Orphanet 79237, MedGen C0268155, MONDO:0009255, OMIM 230200.

Allele frequency attached by ClinVar (database versions not stated): gnomAD exomes 0.00001 and 0.00004; gnomAD 0.00002; TOPMed 0.00002; ExAC 0.00011.
gnomAD v4.1: 20 of 1,610,054 alleles (0.0012%); highest among the groups gnomAD compares: East Asian, 0.011%; no homozygotes.

Submissions (3):

Ambry Genetics
Classification: Uncertain significance for Inborn genetic diseases. Last evaluated: 2025-12-08. Review status: criteria provided, single submitter. Criteria: Ambry Variant Classification Scheme 2023. Collection method: clinical testing. Allele origin: germline.

Labcorp Genetics (formerly Invitae), Labcorp
Classification: Uncertain significance for Deficiency of galactokinase. Last evaluated: 2022-07-29. Review status: criteria provided, single submitter. Criteria: Invitae Variant Classification Sherloc (09022015). Collection method: clinical testing. Allele origin: germline.
Comment: This sequence change replaces valine, which is neutral and non-polar, with methionine, which is neutral and non-polar, at codon 128 of the GALK1 protein (p.Val128Met). This variant is present in population databases (rs767156604, gnomAD 0.03%). This variant has not been reported in the literature in individuals affected with GALK1-related conditions. ClinVar contains an entry for this variant (Variation ID: 196224). Algorithms developed to predict the effect of missense changes on protein structure and function are either unavailable or do not agree on the potential impact of this missense change (SIFT: "Deleterious"; PolyPhen-2: "Probably Damaging"; Align-GVGD: "Class C0"). In summary, the available evidence is currently insufficient to determine the role of this variant in disease. Therefore, it has been classified as a Variant of Uncertain Significance.

Eurofins Ntd Llc (ga)
Classification: Uncertain significance. Last evaluated: 2015-02-25. Review status: criteria provided, single submitter. Criteria: EGL Classification Definitions 2015. Collection method: clinical testing. Allele origin: germline. Observed: 1 variant allele, 1 heterozygote.